The following is an entry in ClinVar:

ClinVar aggregate classification (germline): Uncertain significance. Review status: criteria provided, multiple submitters, no conflicts (2 of 4 stars). 2 submissions from 2 submitters: Uncertain significance (2). Last evaluated 2023-08-04.

Conditions:
Inborn genetic diseases. Identifiers: MedGen C0950123, MeSH D030342.

Allele frequency attached by ClinVar (database versions not stated): gnomAD exomes 0.00001; ExAC 0.00002; gnomAD 0.00003 and 0.00004; TOPMed 0.00005; ESP Exome Variant Server 0.00008.

Submissions (2):

Labcorp Genetics (formerly Invitae), Labcorp
Classification: Uncertain significance. Last evaluated: 2023-08-04. Review status: criteria provided, single submitter. Criteria: Invitae Variant Classification Sherloc (09022015). Collection method: clinical testing. Allele origin: germline.
Comment: This variant has not been reported in the literature in individuals affected with OBSL1-related conditions. ClinVar contains an entry for this variant (Variation ID: 1353354). An algorithm developed to predict the effect of missense changes on protein structure and function (PolyPhen-2) suggests that this variant¬†is likely to be tolerated. In summary, the available evidence is currently insufficient to determine the role of this variant in disease. Therefore, it has been classified as a Variant of Uncertain Significance. This sequence change replaces methionine, which is neutral and non-polar, with isoleucine, which is neutral and non-polar, at codon 1010 of the OBSL1 protein (p.Met1010Ile). This variant is present in population databases (rs368120133, gnomAD 0.02%).

Ambry Genetics
Classification: Uncertain significance for Inborn genetic diseases. Last evaluated: 2021-07-06. Review status: criteria provided, single submitter. Criteria: Ambry Variant Classification Scheme 2023. Collection method: clinical testing. Allele origin: germline.

NM_015311.3(OBSL1):c.3030G>A (p.Met1010Ile)

Gene: OBSL1 (obscurin like cytoskeletal adaptor 1; minus strand). Cytogenetic location: 2q35.
Variant type: single nucleotide variant.
Coding change: c.3030G>A on transcript NM_015311.3 (MANE Select); coding-DNA position 3030, G replaced by A.
Protein change: p.Met1010Ile; replaces methionine 1010 with isoleucine.
Molecular consequence: missense variant.
Genome position (GRCh38, 1-based): chr2:219,559,421, C>T on the plus strand (G>A on the coding strand, the complement: OBSL1 is on the minus strand). VCF-style: chr2-219559421-C-T. GRCh37 (hg19) VCF-style: chr2-220424143-C-T.
Other names: c.3030G>A, p.Met1010Ile (NM_001173431.2); c.3030G>A (NM_015311.2); short protein forms M1010I.
Identifiers: ClinVar variation 1353354 (VCV001353354.5), dbSNP rs368120133, ClinGen allele CA2130989.